The following is an entry in ClinVar:

NM_177438.3(DICER1):c.158A>T (p.Glu53Val)

Gene: DICER1 (dicer 1, ribonuclease III; minus strand). Cytogenetic location: 14q32.13.
Variant type: single nucleotide variant.
Coding change: c.158A>T on transcript NM_177438.3 (MANE Select); coding-DNA position 158, A replaced by T.
Protein change: p.Glu53Val; replaces glutamic acid 53 with valine.
Molecular consequence: missense variant. On other transcripts: 5 prime UTR variant (9), non-coding transcript variant (6).
Genome position (GRCh38, 1-based): chr14:95,132,664, T>A on the plus strand (A>T on the coding strand, the complement: DICER1 is on the minus strand). VCF-style: chr14-95132664-T-A. GRCh37 (hg19) VCF-style: chr14-95599001-T-A.
Other names: c.158A>T, p.Glu53Val (NM_001195573.1, NM_001271282.3, NM_001291628.2 and 14 more transcripts); c.-117A>T (NM_001395686.1, NM_001395687.1, NM_001395688.1 and 4 more transcripts); c.-301A>T (NM_001395691.1); c.-1411A>T (NM_001395697.1); short protein forms E53V.
Identifiers: ClinVar variation 3393357 (VCV003393357.1).

ClinVar aggregate classification (germline): Uncertain significance (1 of 4 stars; one submission).

Conditions:
Hereditary cancer-predisposing syndrome. Also called: Hereditary Cancer Syndrome; Tumor predisposition; Hereditary neoplastic syndrome; Neoplastic Syndromes, Hereditary. Identifiers: Orphanet 140162, MedGen C0027672, MeSH D009386, MONDO:0015356.

Submission:

Hereditary Cancer Group, L’Institut d'Investigació Biomèdica de Bellvitge
Classification: Uncertain significance for Hereditary cancer-predisposing syndrome. Last evaluated: 2024-12-19. Review status: criteria provided, single submitter. Criteria: Hatton et al. (Hum Mutat. 2023). Collection method: clinical testing. Allele origin: germline. Inheritance: Autosomal dominant inheritance. Affected: yes.
Comment: PM2_supporting, BP4